The following is an entry in ClinVar:

ClinVar aggregate classification (germline): Uncertain significance. Review status: criteria provided, multiple submitters, no conflicts (2 of 4 stars). 4 submissions from 4 submitters: Uncertain significance (4). Last evaluated 2025-12-08.

Allele frequency attached by ClinVar (database versions not stated): TOPMed 0.00002.
gnomAD v4.1: 37 of 1,612,968 alleles (0.0023%); highest among the groups gnomAD compares: Middle Eastern, 0.033%; no homozygotes.

Submissions (4):

GeneDx
Classification: Uncertain significance. Last evaluated: 2025-12-08. Review status: criteria provided, single submitter. Criteria: GeneDx Variant Classification Process June 2021. Collection method: clinical testing. Allele origin: germline.
Comment: Seen with a second MYO15A variant, phase unknown, in a patient with severe bilateral hearing loss in published literature (PMID: 38374194); Not observed at significant frequency in large population cohorts (gnomAD); In silico analysis supports that this missense variant has a deleterious effect on protein structure/function; This variant is associated with the following publications: (PMID: 38374194)

Blueprint Genetics
Classification: Uncertain significance. Last evaluated: 2024-07-15. Review status: criteria provided, single submitter. Criteria: ACMG Guidelines, 2015. Collection method: clinical testing. Allele origin: germline.

Labcorp Genetics (formerly Invitae), Labcorp
Classification: Uncertain significance. Last evaluated: 2022-03-02. Review status: criteria provided, single submitter. Criteria: Invitae Variant Classification Sherloc (09022015). Collection method: clinical testing. Allele origin: germline.
Comment: This sequence change replaces arginine, which is basic and polar, with proline, which is neutral and non-polar, at codon 3262 of the MYO15A protein (p.Arg3262Pro). This variant is present in population databases (rs368106470, gnomAD 0.003%). This missense change has been observed in individual(s) with clinical features of MYO15A-related conditions (Invitae). ClinVar contains an entry for this variant (Variation ID: 439947). Algorithms developed to predict the effect of missense changes on protein structure and function are either unavailable or do not agree on the potential impact of this missense change (SIFT: "Deleterious"; PolyPhen-2: "Not Available"; Align-GVGD: "Class C15"). In summary, the available evidence is currently insufficient to determine the role of this variant in disease. Therefore, it has been classified as a Variant of Uncertain Significance.

ARUP Laboratories, Molecular Genetics and Genomics, ARUP Laboratories
Classification: Uncertain significance. Last evaluated: 2016-09-28. Review status: criteria provided, single submitter. Criteria: ARUP Molecular Germline Variant Investigation Process. Collection method: clinical testing. Allele origin: germline.

NM_016239.4(MYO15A):c.9785G>C (p.Arg3262Pro)

Gene: MYO15A (myosin XVA; plus strand). Cytogenetic location: 17p11.2.
Variant type: single nucleotide variant.
Coding change: c.9785G>C on transcript NM_016239.4 (MANE Select); coding-DNA position 9785, G replaced by C.
Protein change: p.Arg3262Pro; replaces arginine 3262 with proline.
Molecular consequence: missense variant.
Genome position (GRCh38, 1-based): chr17:18,163,836, G>C. VCF-style: chr17-18163836-G-C. GRCh37 (hg19) VCF-style: chr17-18067150-G-C.
Other names: c.9785G>C (NM_016239.3); short protein forms R3262P.
Identifiers: ClinVar variation 439947 (VCV000439947.14), dbSNP rs368106470, ClinGen allele CA8425677.
Genomic context (GRCh38, chr17:18,163,836, plus strand): 5'-AGATGGCTCTGACACGCCCTGAGGCCTTCAATGAATATGTTATCTTCGTTGTCACCAACC[G>C]TGGTGAGTGCCAGGAAGACTGAGCATGCTGGGCCCATTCCCATCCCCGGGCCTTGTGCCA-3'
Protein context (NP_057323.3, residues 3252-3272): NEYVIFVVTN[Arg3262Pro]GQHVCPLSRR